The following is an entry in ClinVar:

NM_015102.5(NPHP4):c.810+8del

Gene: NPHP4 (nephrocystin 4; minus strand). Cytogenetic location: 1p36.31.
Variant type: Deletion.
Coding change: c.810+8del on transcript NM_015102.5 (MANE Select); 8 bases into the intron after coding-DNA position 810, one base deleted (G; older notation c.810+8delG).
Molecular consequence: intron variant.
Genome position (GRCh38, 1-based): chr1:5,952,692, C deleted on the plus strand (G on the coding strand, the reverse complement: NPHP4 is on the minus strand). VCF-style (leftmost placement, unchanged base first): chr1-5952691-AC-A. GRCh37 (hg19) VCF-style: chr1-6012751-AC-A.
Other names: c.810+8delG (NM_015102.4); c.-557+8del (NM_001291594.2); c.-556-4441del (NM_001291593.2).
Identifiers: ClinVar variation 2959329 (VCV002959329.5), dbSNP rs753715436, ClinGen allele CA554737.

ClinVar aggregate classification (germline): Likely benign. Review status: criteria provided, multiple submitters, no conflicts (2 of 4 stars). 3 submissions from 3 submitters: Likely benign (3). Last evaluated 2025-03-18.

Conditions:
NPHP4-related disorder. Also called: NPHP4-related condition; NPHP4-related disorders. Identifiers: MedGen CN239384.
Nephronophthisis. Also called: Juvenile Nephronophthisis. Identifiers: Orphanet 655, MedGen C0687120, MONDO:0019005, HP:0000090.

Allele frequency attached by ClinVar (database versions not stated): gnomAD exomes 0.00001.

Submissions (3):

PreventionGenetics, part of Exact Sciences
Classification: Likely benign for NPHP4-related condition. Last evaluated: 2025-03-18. Review status: criteria provided, single submitter. Criteria: ACMG Guidelines, 2015. Collection method: clinical testing. Allele origin: germline.
Comment: This variant is classified as likely benign based on ACMG/AMP sequence variant interpretation guidelines (Richards et al. 2015 PMID: 25741868, with internal and published modifications).

Labcorp Genetics (formerly Invitae), Labcorp
Classification: Likely benign for Nephronophthisis. Last evaluated: 2024-11-11. Review status: criteria provided, single submitter. Criteria: Invitae Variant Classification Sherloc (09022015). Collection method: clinical testing. Allele origin: germline.

Blueprint Genetics
Classification: Likely benign. Last evaluated: 2023-12-21. Review status: criteria provided, single submitter. Criteria: ACMG Guidelines, 2015. Collection method: clinical testing. Allele origin: germline.